The following is an entry in ClinVar:

ClinVar aggregate classification (germline): Uncertain significance (1 of 4 stars; one submission).

Conditions:
Congenital afibrinogenemia. Identifiers: Orphanet 335, Orphanet 98880, MedGen C2584774, MONDO:0008737, OMIM 202400.

Submission:

ISTH-SSC Genomics in Thrombosis and Hemostasis, KU Leuven, Center for Molecular and Vascular Biology
Classification: Uncertain significance for Congenital afibrinogenemia. Review status: criteria provided, single submitter. Criteria: ACMG Guidelines, 2015. Collection method: clinical testing. Allele origin: germline. Affected: yes. Observed: 1 heterozygote.
Comment: Submitted to GoldVariant by Kathleen Freson, Center for Molecular and Vascular Biology, Leuven, Belgium

NM_005141.5(FGB):c.946T>C (p.Cys316Arg)

Gene: FGB (fibrinogen beta chain; plus strand). Cytogenetic location: 4q31.3.
Variant type: single nucleotide variant.
Coding change: c.946T>C on transcript NM_005141.5 (MANE Select); coding-DNA position 946, T replaced by C.
Protein change: p.Cys316Arg; replaces cysteine 316 with arginine.
Molecular consequence: missense variant. On other transcripts: intron variant (1).
Genome position (GRCh38, 1-based): chr4:154,569,295, T>C. VCF-style: chr4-154569295-T-C. GRCh37 (hg19) VCF-style: chr4-155490447-T-C.
Other names: c.769T>C, p.Cys257Arg (NM_001184741.1); c.814T>C, p.Cys272Arg (NM_001382759.1); c.946T>C, p.Cys316Arg (NM_001382760.1, NM_001382761.1, NM_001382764.1 and 1 more transcripts); c.937T>C, p.Cys313Arg (NM_001382763.1); c.746-306T>C (NM_001382762.1); short protein forms C257R, C272R, C313R, C316R.
Identifiers: ClinVar variation 1703848 (VCV001703848.1), dbSNP rs2530784780, ClinGen allele CA358513493.
Genomic context (GRCh38, chr4:154,569,295, plus strand): 5'-TGGGATCCATATAAACAGGGATTTGGAAATGTTGCAACCAACACAGATGGGAAGAATTAC[T>C]GTGGCCTACCAGGTAACGAACAGGCATGCAAAATAAAATCATTCTATTTGAAATGGGATT-3'
Protein context (NP_005132.2, residues 306-326): VATNTDGKNY[Cys316Arg]GLPGEYWLGN